The following is an entry in ClinVar:

NM_021020.5(LZTS1):c.1431G>C (p.Glu477Asp)

Gene: LZTS1 (leucine zipper tumor suppressor 1; minus strand). Cytogenetic location: 8p21.3.
Variant type: single nucleotide variant.
Coding change: c.1431G>C on transcript NM_021020.5 (MANE Select); coding-DNA position 1431, G replaced by C.
Protein change: p.Glu477Asp; replaces glutamic acid 477 with aspartic acid.
Molecular consequence: missense variant.
Genome position (GRCh38, 1-based): chr8:20,250,082, C>G on the plus strand (G>C on the coding strand, the complement: LZTS1 is on the minus strand). VCF-style: chr8-20250082-C-G. GRCh37 (hg19) VCF-style: chr8-20107593-C-G.
Other names: c.1431G>C, p.Glu477Asp (NM_001362884.2); c.1431G>C (NM_021020.2); short protein forms E477D.
Identifiers: ClinVar variation 1514886 (VCV001514886.9), dbSNP rs1416561349, ClinGen allele CA370476149.

ClinVar aggregate classification (germline): Uncertain significance. Review status: criteria provided, multiple submitters, no conflicts (2 of 4 stars). 2 submissions from 2 submitters: Uncertain significance (2). Last evaluated 2023-03-01.

Allele frequency attached by ClinVar (database versions not stated): TOPMed 0.00002; gnomAD 0.00003.

Submissions (2):

Ambry Genetics
Classification: Uncertain significance. Last evaluated: 2023-03-01. Review status: criteria provided, single submitter. Criteria: Ambry Variant Classification Scheme 2023. Collection method: clinical testing. Allele origin: germline.

Labcorp Genetics (formerly Invitae), Labcorp
Classification: Uncertain significance. Last evaluated: 2022-12-20. Review status: criteria provided, single submitter. Criteria: Invitae Variant Classification Sherloc (09022015). Collection method: clinical testing. Allele origin: germline.
Comment: This sequence change replaces glutamic acid, which is acidic and polar, with aspartic acid, which is acidic and polar, at codon 477 of the LZTS1 protein (p.Glu477Asp). This variant is present in population databases (no rsID available, gnomAD 0.002%). This variant has not been reported in the literature in individuals affected with LZTS1-related conditions. ClinVar contains an entry for this variant (Variation ID: 1514886). Advanced modeling of protein sequence and biophysical properties (such as structural, functional, and spatial information, amino acid conservation, physicochemical variation, residue mobility, and thermodynamic stability) performed at Invitae indicates that this missense variant is not expected to disrupt LZTS1 protein function. In summary, the available evidence is currently insufficient to determine the role of this variant in disease. Therefore, it has been classified as a Variant of Uncertain Significance.